The following is an entry in ClinVar:

NM_017780.4(CHD7):c.8666C>G (p.Ala2889Gly)

Gene: CHD7 (chromodomain helicase DNA binding protein 7; plus strand). Cytogenetic location: 8q12.2.
Variant type: single nucleotide variant.
Coding change: c.8666C>G on transcript NM_017780.4 (MANE Select); coding-DNA position 8666, C replaced by G.
Protein change: p.Ala2889Gly; replaces alanine 2889 with glycine.
Molecular consequence: missense variant.
Genome position (GRCh38, 1-based): chr8:60,865,605, C>G. VCF-style: chr8-60865605-C-G. GRCh37 (hg19) VCF-style: chr8-61778164-C-G.
Other names: c.2519C>G, p.Ala840Gly (NM_001316690.1); short protein forms A2889G, A840G.
Identifiers: ClinVar variation 5018155 (VCV005018155.1).

ClinVar aggregate classification (germline): Uncertain significance (1 of 4 stars; one submission).

gnomAD v4.1: 1 of 1,613,932 alleles (0.000062%); highest among the groups gnomAD compares: Non-Finnish European, 0.000085%; no homozygotes.

Submission:

GeneDx
Classification: Uncertain significance. Last evaluated: 2026-04-03. Review status: criteria provided, single submitter. Criteria: GeneDx Variant Classification Process June 2021. Collection method: clinical testing. Allele origin: germline.
Comment: Not observed at significant frequency in large population cohorts (gnomAD); In silico analysis supports that this missense variant has a deleterious effect on protein structure/function; Has not been previously published as pathogenic or benign to our knowledge